The following is an entry in ClinVar:

ClinVar aggregate classification (germline): Uncertain significance (1 of 4 stars; one submission).

Conditions:
Neurodevelopmental disorder with hypotonia, seizures, and absent language (NDHSAL). Identifiers: MedGen C4310643, MONDO:0014995, OMIM 617268.

Allele frequency attached by ClinVar (database versions not stated): gnomAD 0.00001; gnomAD exomes 0.00001; TOPMed 0.00001 and 0.00002; ExAC 0.00002.
gnomAD v4.1: 21 of 1,614,036 alleles (0.0013%); highest among the groups gnomAD compares: Non-Finnish European, 0.0015%; no homozygotes.

Submission:

Baylor Genetics
Classification: Uncertain significance for Neurodevelopmental disorder with hypotonia, seizures, and absent language. Last evaluated: 2018-05-11. Review status: criteria provided, single submitter. Criteria: ACMG Guidelines, 2015. Collection method: clinical testing. Allele origin: unknown. Affected: yes.
Comment: This variant was determined to be of uncertain significance according to ACMG Guidelines, 2015 [PMID:25741868].

NM_001348768.2(HECW2):c.2896C>T (p.Arg966Cys)

Gene: HECW2 (HECT, C2 and WW domain containing E3 ubiquitin protein ligase 2; minus strand). Cytogenetic location: 2q32.3.
Variant type: single nucleotide variant.
Coding change: c.2896C>T on transcript NM_001348768.2 (MANE Select); coding-DNA position 2896, C replaced by T.
Protein change: p.Arg966Cys; replaces arginine 966 with cysteine.
Molecular consequence: missense variant.
Genome position (GRCh38, 1-based): chr2:196,292,669, G>A on the plus strand (C>T on the coding strand, the complement: HECW2 is on the minus strand). VCF-style: chr2-196292669-G-A. GRCh37 (hg19) VCF-style: chr2-197157393-G-A.
Other names: c.1828C>T, p.Arg610Cys (NM_001304840.3); c.2896C>T, p.Arg966Cys (NM_020760.4); short protein forms R610C, R966C.
Identifiers: ClinVar variation 1032100 (VCV001032100.1), dbSNP rs750085441, ClinGen allele CA2037929.